The following is an entry in ClinVar:

ClinVar aggregate classification (germline): Conflicting classifications of pathogenicity. Review status: criteria provided, conflicting classifications (1 of 4 stars). 2 submissions from 2 submitters: Uncertain significance (1); Likely benign (1). Last evaluated 2022-05-04.

Conditions:
Diabetes insipidus, nephrogenic, X-linked. Also called: Nephrogenic Diabetes Insipidus, Type I. Identifiers: Orphanet 223, MedGen C1563705, MONDO:0010581, OMIM 304800.

Allele frequency attached by ClinVar (database versions not stated): TOPMed 0.00009; ESP Exome Variant Server 0.00019; gnomAD exomes 0.00006 and 0.00007; ExAC 0.00007; gnomAD 0.00008 and 0.00009.
gnomAD v4.1: 94 of 1,203,775 alleles (0.0078%); highest among the groups gnomAD compares: Non-Finnish European, 0.0092%; no homozygotes.

Submissions (2):

Mendelics
Classification: Uncertain significance. Last evaluated: 2022-05-04. Review status: criteria provided, single submitter. Criteria: Mendelics Assertion Criteria 2019. Collection method: clinical testing. Allele origin: germline.

Illumina Laboratory Services, Illumina
Classification: Likely benign for Diabetes insipidus, nephrogenic, X-linked. Last evaluated: 2017-10-12. Review status: criteria provided, single submitter. Criteria: ICSL Variant Classification Criteria 13 December 2019. Collection method: clinical testing. Allele origin: germline.
Comment: This variant was observed as part of a predisposition screen in an ostensibly healthy population. A literature search was performed for the gene, cDNA change, and amino acid change (where applicable). Publications were found based on this search. The evidence from the literature, in combination with allele frequency data from public databases where available, was sufficient to determine this variant is unlikely to cause disease. Therefore, this variant is classified as likely benign.

Literature cited by the submitters: PubMed 22644838 (cited by Illumina Laboratory Services, Illumina).

NM_000054.7(AVPR2):c.485T>C (p.Val162Ala)

Gene: AVPR2 (arginine vasopressin receptor 2; plus strand). Cytogenetic location: Xq28.
Variant type: single nucleotide variant.
Coding change: c.485T>C on transcript NM_000054.7 (MANE Select); coding-DNA position 485, T replaced by C.
Protein change: p.Val162Ala; replaces valine 162 with alanine.
Molecular consequence: missense variant.
Genome position (GRCh38, 1-based): chrX:153,905,991, T>C. VCF-style: chrX-153905991-T-C. GRCh37 (hg19) VCF-style: chrX-153171445-T-C.
Other names: c.485T>C, p.Val162Ala (NM_001146151.3); short protein forms V162A.
Identifiers: ClinVar variation 914116 (VCV000914116.5), dbSNP rs374461463, ClinGen allele CA10555016.